The following is an entry in ClinVar:

NM_025207.5(FLAD1):c.712G>A (p.Gly238Ser)

Gene: FLAD1 (flavin adenine dinucleotide synthetase 1; plus strand). Cytogenetic location: 1q21.3.
Variant type: single nucleotide variant.
Coding change: c.712G>A on transcript NM_025207.5 (MANE Select); coding-DNA position 712, G replaced by A.
Protein change: p.Gly238Ser; replaces glycine 238 with serine.
Molecular consequence: missense variant.
Genome position (GRCh38, 1-based): chr1:154,988,444, G>A. VCF-style: chr1-154988444-G-A. GRCh37 (hg19) VCF-style: chr1-154960920-G-A.
Other names: c.421G>A, p.Gly141Ser (NM_001184891.2, NM_201398.3); c.415G>A, p.Gly139Ser (NM_001184892.2); short protein forms G139S, G141S, G238S.
Identifiers: ClinVar variation 2080171 (VCV002080171.1), dbSNP rs770176496, ClinGen allele CA1134380.

ClinVar aggregate classification (germline): Uncertain significance (1 of 4 stars; one submission).

Allele frequency attached by ClinVar (database versions not stated): gnomAD exomes 0.00001; ExAC 0.00002.
gnomAD v4.1: 4 of 1,614,232 alleles (0.00025%); highest among the groups gnomAD compares: East Asian, 0.0045%; no homozygotes.

Submission:

Labcorp Genetics (formerly Invitae), Labcorp
Classification: Uncertain significance. Last evaluated: 2022-10-05. Review status: criteria provided, single submitter. Criteria: Invitae Variant Classification Sherloc (09022015). Collection method: clinical testing. Allele origin: germline.
Comment: This sequence change replaces glycine, which is neutral and non-polar, with serine, which is neutral and polar, at codon 238 of the FLAD1 protein (p.Gly238Ser). This variant is present in population databases (rs770176496, gnomAD 0.02%). This variant has not been reported in the literature in individuals affected with FLAD1-related conditions. Algorithms developed to predict the effect of missense changes on protein structure and function are either unavailable or do not agree on the potential impact of this missense change (SIFT: "Deleterious"; PolyPhen-2: "Probably Damaging"; Align-GVGD: "Class C0"). In summary, the available evidence is currently insufficient to determine the role of this variant in disease. Therefore, it has been classified as a Variant of Uncertain Significance.